The following is an entry in ClinVar:

ClinVar aggregate classification (germline): Uncertain significance (1 of 4 stars; one submission).

Submission:

GeneDx
Classification: Uncertain significance. Last evaluated: 2022-08-17. Review status: criteria provided, single submitter. Criteria: GeneDx Variant Classification Process June 2021. Collection method: clinical testing. Allele origin: germline.
Comment: Not observed at significant frequency in large population cohorts (gnomAD); Frameshift variant predicted to result in protein truncation or nonsense mediated decay in a gene or region of a gene for which loss of function is not a well-established mechanism of disease; Has not been previously published as pathogenic or benign to our knowledge; Variants in candidate genes are classified as variants of uncertain significance in accordance with ACMG guidelines (Richards et al., 2015)

NM_002332.3(LRP1):c.3968del (p.Arg1323fs)

Gene: LRP1 (LDL receptor related protein 1; plus strand). Cytogenetic location: 12q13.3.
Variant type: Deletion.
Coding change: c.3968del on transcript NM_002332.3 (MANE Select); coding-DNA position 3968, one base deleted (G; older notation c.3968delG).
Protein change: p.Arg1323fs; shifts the reading frame from arginine 1323.
Molecular consequence: frameshift variant.
Genome position (GRCh38, 1-based): chr12:57,176,083, G deleted. VCF-style (leftmost placement, unchanged base first): chr12-57176082-CG-C. GRCh37 (hg19) VCF-style: chr12-57569865-CG-C.
Other names: short protein forms R1323fs.
Identifiers: ClinVar variation 4976619 (VCV004976619.1).
Genomic context (GRCh38, chr12:57,176,082, plus strand): 5'-GACTTCCACCTCAGCCAGAGCGCCCTCTACTGGACCGACGTGGTGGAGGACAAGATCTAC[CG>C]CGGGAAGCTGCTGGACAACGGAGGTGACCACCGATTGCTGCCAGGCAGGATGCACACAGG-3'